The following is an entry in ClinVar:

NM_001267550.2(TTN):c.97546A>T (p.Met32516Leu)

Genes: TTN (titin; minus strand), TTN-AS1 (TTN antisense RNA 1; plus strand). Cytogenetic location: 2q31.2.
Variant type: single nucleotide variant.
Coding change: c.97546A>T on transcript NM_001267550.2 (MANE Select); coding-DNA position 97546, A replaced by T.
Protein change: p.Met32516Leu; replaces methionine 32516 with leucine.
Molecular consequence: missense variant.
Genome position (GRCh38, 1-based): chr2:178,541,531, T>A on the plus strand (A>T on the coding strand, the complement: TTN is on the minus strand). VCF-style: chr2-178541531-T-A. GRCh37 (hg19) VCF-style: chr2-179406258-T-A.
Other names: p.M30875L:ATG>TTG; c.92623A>T, p.Met30875Leu (NM_001256850.1); c.70351A>T, p.Met23451Leu (NM_003319.4); c.89842A>T, p.Met29948Leu (NM_133378.4); c.70726A>T, p.Met23576Leu (NM_133432.3); c.70927A>T, p.Met23643Leu (NM_133437.4); short protein forms M30875L, M32516L, M23643L, M29948L, M23451L, M23576L.
Identifiers: ClinVar variation 203031 (VCV000203031.2), dbSNP rs794729545, ClinGen allele CA311031.
Genomic context (GRCh38, chr2:178,541,531, plus strand): 5'-CAATATATCCAGTCACTTGGGAGCCACCGTCATCCTCTGGTGGGTACCAAGTAAGTGTCA[T>A]GCCATCACGGGAAACATCAAATATCTGTAATGTTTCTGGGGGTCCAGGAATACCTGCAGC-3'
Protein context (NP_001254479.2, residues 32506-32526): LQIFDVSRDG[Met32516Leu]TLTWYPPEDD

ClinVar aggregate classification (germline): Uncertain significance (1 of 4 stars; one submission).

Submission:

GeneDx
Classification: Uncertain significance. Last evaluated: 2014-04-19. Review status: criteria provided, single submitter. Criteria: GeneDx Variant Classification (06012015). Collection method: clinical testing. Allele origin: germline. Affected: yes.
Comment: Missense variants in the TTN gene are considered 'unclassified' if they are not previously reported in the literature and do not have >1% frequency in the population to be considered a polymorphism. Research indicates that truncating mutations in the TTN gene are expected to account for approximately 25% of familial and 18% of sporadic idiopathic DCM; however, truncating variants in the TTN gene have been reported in approximately 3% of reported control alleles. There has been little investigation into non-truncating variants. (Herman D et al. Truncations of titin causing dilated cardiomyopathy. N Eng J Med 366:619-628, 2012) The variant is found in CARDIOMYOPATHY panel(s).